The following is an entry in ClinVar:

ClinVar aggregate classification (germline): Likely benign (0 of 4 stars; one submission).

Conditions:
MVB12B-related disorder. Also called: MVB12B-related condition.

Submission:

PreventionGenetics, part of Exact Sciences
Classification: Likely benign for MVB12B-related condition. Last evaluated: 2022-08-09. Review status: no assertion criteria provided. Collection method: clinical testing. Allele origin: germline.
Comment: This variant is classified as likely benign based on ACMG/AMP sequence variant interpretation guidelines (Richards et al. 2015 PMID: 25741868, with internal and published modifications).

NM_033446.3(MVB12B):c.38CGC[3] (p.Pro16del)

Gene: MVB12B (multivesicular body subunit 12B; plus strand). Cytogenetic location: 9q33.3.
Variant type: Microsatellite.
Coding change: c.38CGC[3] on transcript NM_033446.3 (MANE Select); three copies in a row of the 3-base unit CGC starting at c.38; the reference has four copies in a row; one copy, 3 bases deleted.
Protein change: p.Pro16del; deletes proline 16.
Genome position (GRCh38, 1-based): chr9:126,326,976-126,326,978, CGC deleted; deleting any 3 consecutive bases within chr9:126,326,966-126,326,978 gives the same sequence; the position shown is the placement nearest the transcript's 3' end. VCF-style (leftmost placement, unchanged base first): chr9-126326965-CCCG-C. GRCh37 (hg19) VCF-style: chr9-129089244-CCCG-C.
Other names: c.38CGC[3], p.Pro16del (NM_001011703.3); short protein forms P16del.
Identifiers: ClinVar variation 3042318 (VCV003042318.2), dbSNP rs766091905, ClinGen allele CA5241864.